The following is an entry in ClinVar:

ClinVar aggregate classification (germline): Pathogenic/Likely pathogenic. Review status: criteria provided, multiple submitters, no conflicts (2 of 4 stars). 2 submissions from 2 submitters: Pathogenic (1); Likely pathogenic (1). Last evaluated 2024-10-11.

Conditions:
Hereditary factor XI deficiency disease. Also called: Congenital factor XI deficiency; PLASMA THROMBOPLASTIN ANTECEDENT DEFICIENCY; PTA DEFICIENCY; ROSENTHAL SYNDROME. Identifiers: Orphanet 329, MedGen C0015523, MeSH D005173, MONDO:0012897, OMIM 612416.

Allele frequency attached by ClinVar (database versions not stated): gnomAD 0.00001; TOPMed 0.00001; gnomAD exomes 0.00002.
gnomAD v4.1: 27 of 1,613,820 alleles (0.0017%); highest among the groups gnomAD compares: Non-Finnish European, 0.0023%; no homozygotes.

Submissions (2):

Women's Health and Genetics/Laboratory Corporation of America, LabCorp
Classification: Pathogenic for Hereditary factor XI deficiency disease. Last evaluated: 2024-10-11. Review status: criteria provided, single submitter. Criteria: LabCorp Variant Classification Summary - May 2015. Collection method: clinical testing. Allele origin: germline.
Comment: Variant summary: F11 c.728C>T (p.Ser243Phe) results in a non-conservative amino acid change located in the Apple domain (IPR000177) of the encoded protein sequence. Four of five in-silico tools predict a damaging effect of the variant on protein function. The variant was absent in 251356 control chromosomes. c.728C>T has been reported in the literature in the heterozygous state in multiple individuals affected with autosomal dominant Hereditary factor XI deficiency disease (example, Kravtsov_2005, de Mazancourt_2023). These data indicate that the variant is likely to be associated with disease. At least one publication reports experimental evidence evaluating an impact on protein function. The most pronounced variant effect results in <10% of normal protein secretion in vitro (example Kravtsov_2005). The following publications have been ascertained in the context of this evaluation (PMID: 15728123, 37252892). ClinVar contains an entry for this variant (Variation ID: 627368). Based on the evidence outlined above, the variant was classified as pathogenic.

NIHR Bioresource Rare Diseases, University of Cambridge
Classification: Likely pathogenic for Hereditary factor XI deficiency disease. Last evaluated: 2019-02-01. Review status: criteria provided, single submitter. Criteria: ACMG Guidelines, 2015. Collection method: research. Allele origin: unknown. Affected: yes. Observed: 1 heterozygote. Study: ThromboGenomics.

Literature cited by the submitters: PubMed 15728123 (cited by Women's Health and Genetics/Laboratory Corporation of America, LabCorp); PubMed 37252892 (cited by Women's Health and Genetics/Laboratory Corporation of America, LabCorp); PubMed 31064749 (cited by NIHR Bioresource Rare Diseases, University of Cambridge).

NM_000128.4(F11):c.728C>T (p.Ser243Phe)

Gene: F11 (coagulation factor XI; plus strand). Cytogenetic location: 4q35.2.
Variant type: single nucleotide variant.
Coding change: c.728C>T on transcript NM_000128.4 (MANE Select); coding-DNA position 728, C replaced by T.
Protein change: p.Ser243Phe; replaces serine 243 with phenylalanine.
Molecular consequence: missense variant.
Genome position (GRCh38, 1-based): chr4:186,276,363, C>T. VCF-style: chr4-186276363-C-T. GRCh37 (hg19) VCF-style: chr4-187197517-C-T.
Other names: short protein forms S243F.
Identifiers: ClinVar variation 627368 (VCV000627368.2), dbSNP rs1262002209, ClinGen allele CA358959380.